The following is an entry in ClinVar:

ClinVar aggregate classification (germline): Likely benign (1 of 4 stars; one submission).

Submission:

CeGaT Center for Human Genetics Tuebingen
Classification: Likely benign. Last evaluated: 2022-11-01. Review status: criteria provided, single submitter. Criteria: CeGaT Center For Human Genetics Tuebingen Variant Classification Criteria Version 2. Collection method: clinical testing. Allele origin: germline. Affected: yes. Observed: 1 variant allele.
Comment: SON: BP4, BP7

NM_138927.4(SON):c.222T>C (p.Asp74=)

Gene: SON (SON DNA and RNA binding protein; plus strand). Cytogenetic location: 21q22.11.
Variant type: single nucleotide variant.
Coding change: c.222T>C on transcript NM_138927.4 (MANE Select); coding-DNA position 222, T replaced by C.
Protein change: p.Asp74=; no amino-acid change (aspartic acid 74 retained).
Molecular consequence: synonymous variant. On other transcripts: non-coding transcript variant (1).
Genome position (GRCh38, 1-based): chr21:33,546,357, T>C. VCF-style: chr21-33546357-T-C. GRCh37 (hg19) VCF-style: chr21-34918663-T-C.
Other names: c.222T>C, p.Asp74= (NM_001291411.2, NM_001291412.3, NM_001412132.1 and 4 more transcripts).
Identifiers: ClinVar variation 2652606 (VCV002652606.24), dbSNP rs1306819747, ClinGen allele CA512201801.